The following is an entry in ClinVar:

ClinVar aggregate classification (germline): Uncertain significance (1 of 4 stars; one submission).

gnomAD v4.1: 3 of 1,614,214 alleles (0.00019%); highest among the groups gnomAD compares: Non-Finnish European, 0.00025%; no homozygotes.

Submission:

Women's Health and Genetics/Laboratory Corporation of America, LabCorp
Classification: Uncertain significance. Last evaluated: 2025-10-08. Review status: criteria provided, single submitter. Criteria: LabCorp Variant Classification Summary - May 2015. Collection method: clinical testing. Allele origin: germline.
Comment: Variant summary: DDB1 c.2654A>G (p.Asn885Ser) results in a conservative amino acid change in the encoded protein sequence. Algorithms developed to predict the effect of missense changes on protein structure and function are either unavailable or do not agree on the potential impact of this missense change. The variant allele was found at a frequency of 4e-06 in 251480 control chromosomes. The available data on variant occurrences in the general population are insufficient to allow any conclusion about variant significance. To our knowledge, no occurrence of c.2654A>G in individuals affected with DDB1-related conditions and no experimental evidence demonstrating its impact on protein function have been reported. No submitters have cited clinical-significance assessments for this variant to ClinVar. Based on the evidence outlined above, the variant was classified as uncertain significance.

NM_001923.5(DDB1):c.2654A>G (p.Asn885Ser)

Gene: DDB1 (damage specific DNA binding protein 1; minus strand). Cytogenetic location: 11q12.2.
Variant type: single nucleotide variant.
Coding change: c.2654A>G on transcript NM_001923.5 (MANE Select); coding-DNA position 2654, A replaced by G.
Protein change: p.Asn885Ser; replaces asparagine 885 with serine.
Molecular consequence: missense variant.
Genome position (GRCh38, 1-based): chr11:61,308,990, T>C on the plus strand (A>G on the coding strand, the complement: DDB1 is on the minus strand). VCF-style: chr11-61308990-T-C. GRCh37 (hg19) VCF-style: chr11-61076462-T-C.
Other names: short protein forms N885S.
Identifiers: ClinVar variation 4687453 (VCV004687453.1).
Genomic context (GRCh38, chr11:61,308,990, plus strand): 5'-CTGCAGACAATGATGGGCAGCCTAAAGTAAGTACCAAGTGGTCCAGGCCTCACCGTGCTA[T>C]TGATGCTGGCTAACAGCTTCCCGTTAAATTCCACCATAGAGTACACGGCCCCTTTCACTT-3'
Protein context (NP_001914.3, residues 875-895): EFNGKLLASI[Asn885Ser]STVRLYEWTT